The following is an entry in ClinVar:

NM_002691.4(POLD1):c.2293G>T (p.Val765Leu)

Gene: POLD1 (DNA polymerase delta 1, catalytic subunit; plus strand). Cytogenetic location: 19q13.33.
Variant type: single nucleotide variant.
Coding change: c.2293G>T on transcript NM_002691.4 (MANE Select); coding-DNA position 2293, G replaced by T.
Protein change: p.Val765Leu; replaces valine 765 with leucine.
Molecular consequence: missense variant. On other transcripts: non-coding transcript variant (1).
Genome position (GRCh38, 1-based): chr19:50,413,784, G>T. VCF-style: chr19-50413784-G-T. GRCh37 (hg19) VCF-style: chr19-50917041-G-T.
Other names: c.2293G>T, p.Val765Leu (NM_001256849.1); c.2371G>T, p.Val791Leu (NM_001308632.1); short protein forms V765L, V791L.
Identifiers: ClinVar variation 2577617 (VCV002577617.2), dbSNP rs759190487, ClinGen allele CA406984071.

ClinVar aggregate classification (germline): Uncertain significance (1 of 4 stars; one submission).

gnomAD v4.1: 2 of 1,611,860 alleles (0.00012%); highest among the groups gnomAD compares: Non-Finnish European, 0.000085%; no homozygotes.

Submission:

GeneDx
Classification: Uncertain significance. Last evaluated: 2023-11-09. Review status: criteria provided, single submitter. Criteria: GeneDx Variant Classification Process June 2021. Collection method: clinical testing. Allele origin: germline.
Comment: Not observed at significant frequency in large population cohorts (gnomAD); In silico analysis supports that this missense variant has a deleterious effect on protein structure/function; Has not been previously published as pathogenic or benign to our knowledge; This variant is associated with the following publications: (PMID: 20951805)